The following is an entry in ClinVar:

NM_004415.4(DSP):c.3928A>T (p.Lys1310Ter)

Gene: DSP (desmoplakin; plus strand). Cytogenetic location: 6p24.3.
Variant type: single nucleotide variant.
Coding change: c.3928A>T on transcript NM_004415.4 (MANE Select); coding-DNA position 3928, A replaced by T.
Protein change: p.Lys1310Ter; replaces lysine 1310 with a stop codon.
Molecular consequence: nonsense. On other transcripts: intron variant (1).
Genome position (GRCh38, 1-based): chr6:7,580,118, A>T. VCF-style: chr6-7580118-A-T. GRCh37 (hg19) VCF-style: chr6-7580351-A-T.
Other names: c.3928A>T, p.Lys1310Ter (NM_001319034.2); c.3582+346A>T (NM_001008844.3); short protein forms K1310*.
Identifiers: ClinVar variation 2931843 (VCV002931843.9), dbSNP rs1165211827, ClinGen allele CA362685160.

ClinVar aggregate classification (germline): Pathogenic/Likely pathogenic. Review status: criteria provided, multiple submitters, no conflicts (2 of 4 stars). 6 submissions from 6 submitters: Pathogenic (5); Likely pathogenic (1). Last evaluated 2026-07-09.

Conditions:
Primary dilated cardiomyopathy (DCM). Also called: Dilated Cardiomyopathy. Identifiers: Orphanet 217604, MedGen C0007193, MeSH D002311, MONDO:0005021, HP:0001644. Inheritance: Various modes of inheritance.
Dilated and arrhythmogenic cardiomyopathy.
Arrhythmogenic cardiomyopathy with wooly hair and keratoderma. Also called: Dilated cardiomyopathy with woolly hair and keratoderma; Carvajal syndrome; Arrhythmogenic cardiomyopathy with woolly hair and keratoderma; PALMOPLANTAR KERATODERMA WITH LEFT VENTRICULAR CARDIOMYOPATHY AND WOOLLY HAIR. Identifiers: Orphanet 65282, MedGen C1854063, MONDO:0011581, OMIM 605676.
Arrhythmogenic right ventricular dysplasia 8 (ARVD8). Also called: ARRHYTHMOGENIC RIGHT VENTRICULAR DYSPLASIA, FAMILIAL, 8; ARRHYTHMOGENIC RIGHT VENTRICULAR CARDIOMYOPATHY 8; Arrhythmogenic Right Ventricular Dysplasia/Cardiomyopathy 8. Identifiers: MedGen C1843896, MONDO:0011831, OMIM 607450.
DSP-related disorder. Also called: DSP-related disorders; DSP-related condition.
Cardiomyopathy (CMYO). Also called: Cardiomyopathies. Identifiers: Orphanet 167848, MedGen C0878544, MONDO:0004994, HP:0001638. Inheritance: Various modes of inheritance.

Allele frequency attached by ClinVar (database versions not stated): TOPMed below 0.00001; gnomAD 0.00001.

Submissions (6):

Victorian Clinical Genetics Services, Murdoch Childrens Research Institute
Classification: Pathogenic for Arrhythmogenic right ventricular dysplasia 8. Last evaluated: 2026-07-09. Review status: criteria provided, single submitter. Criteria: ACMG Guidelines, 2015. Collection method: clinical testing. Allele origin: germline. Affected: yes.
Comment: This variant is classified as Pathogenic. Evidence in support of pathogenic classification: Variant is predicted to cause nonsense-mediated decay (NMD) and loss of protein (premature termination codon is located at least 54 nucleotides upstream of the final exon-exon junction); Variant is present in gnomAD <0.01 (v4: 3 heterozygote(s), 0 homozygote(s)); This variant has moderate previous evidence of pathogenicity in unrelated individuals. This variant has been classified as pathogenic by clinical laboratories in ClinVar. Additionally, this variant has been reported as likely pathogenic/pathogenic in a cohort of adults with or without TTN truncating variants who had nonischemic DCM and ICD or CRT-D devices (PMID: 31251381). It is unclear whether the individual(s) with this variant also had other TTN truncating variants; Other NMD-predicted variants comparable to the one identified in this case have very strong previous evidence for pathogenicity. Many NMD-predicted variants in this gene have been reported as likely pathogenic/pathogenic (ClinVar). At least ten comparable NMD-predicted variants have been reported in individuals with sudden death or DSP-related cardiac conditions (VCGS, PMIDs: 26383259, 27532257, 29915097). Additional information: This variant is heterozygous; This gene is associated with both recessive and dominant disease. Variants in this gene are usually inherited in a dominant manner, however rare reports of recessive inheritance have resulted in a more severe cardiac phenotype (OMIM); Loss of function is a known mechanism of disease in this gene and is associated with arrhythmogenic right ventricular dysplasia 8 (MIM#607450) and other DSP-related cardiac disorders; The condition associated with this gene has incomplete penetrance. In families with cardiomyopathies, reduced penetrance has been reported among family members aged 60-86 years (PMID: 36580316); Variants in this gene are known to have variable expressivity. Age-dependent penetrance and variable expressivity are well-described aspects of arrhythmogenic cardiomyopathy (PMID: 29062697).

Women's Health and Genetics/Laboratory Corporation of America, LabCorp
Classification: Pathogenic for Cardiomyopathy. Last evaluated: 2026-05-26. Review status: criteria provided, single submitter. Criteria: LabCorp Variant Classification Summary - May 2015. Collection method: clinical testing. Allele origin: germline.
Comment: Variant summary: DSP c.3928A>T (p.Lys1310X) results in a premature termination codon, predicted to cause a truncation of the encoded protein or absence of the protein due to nonsense mediated decay, which are commonly known mechanisms for disease. The variant was absent in 250626 control chromosomes (gnomAD). c.3928A>T has been observed in individuals affected with cardiomyopathy (e.g. Augusto_2020). The following publication has been ascertained in the context of this evaluation (PMID: 31317183). ClinVar contains an entry for this variant (Variation ID: 2931843). Based on the evidence outlined above, the variant was classified as pathogenic.

North West Genomic Laboratory Hub, Manchester University NHS Foundation Trust
Classification: Pathogenic for Dilated and arrhythmogenic cardiomyopathy. Last evaluated: 2025-05-13. Review status: criteria provided, single submitter. Criteria: ACGS Best Practice Guidelines for Variant Classification in Rare Disease 2020. Collection method: clinical testing. Allele origin: germline. Affected: yes.
Comment: PM2_Mod PVS1_VStr PS4_Mod

Labcorp Genetics (formerly Invitae), Labcorp
Classification: Pathogenic for Arrhythmogenic cardiomyopathy with wooly hair and keratoderma; Arrhythmogenic right ventricular dysplasia 8. Last evaluated: 2025-03-21. Review status: criteria provided, single submitter. Criteria: Invitae Variant Classification Sherloc (09022015). Collection method: clinical testing. Allele origin: germline.
Comment: This sequence change creates a premature translational stop signal (p.Lys1310*) in the DSP gene. It is expected to result in an absent or disrupted protein product. Loss-of-function variants in DSP are known to be pathogenic (PMID: 20716751, 24503780, 25227139). This variant is not present in population databases (gnomAD no frequency). This premature translational stop signal has been observed in individual(s) with DSP associated conditions (PMID: 31251381, 31317183). ClinVar contains an entry for this variant (Variation ID: 2931843). For these reasons, this variant has been classified as Pathogenic.

Blueprint Genetics
Classification: Likely pathogenic for DSP-related disorders. Last evaluated: 2024-10-14. Review status: criteria provided, single submitter. Criteria: ACMG Guidelines, 2015. Collection method: clinical testing. Allele origin: germline. Affected: yes. Observed: 3 variant alleles.

Molecular Genetics, Royal Melbourne Hospital
Classification: Pathogenic for Primary dilated cardiomyopathy. Last evaluated: 2023-07-07. Review status: criteria provided, single submitter. Criteria: ACMG Guidelines, 2015. Collection method: clinical testing. Allele origin: germline. Inheritance: Autosomal dominant inheritance. Affected: yes.
Comment: This sequence change in DSP is a nonsense variant predicted to cause a premature stop codon, p.(Lys1310*), in biologically relevant exon 23/24 leading to nonsense-mediated decay in a gene in which loss-of-function is an established disease mechanism. This variant is present in a single European non-Finnish individual in the population database gnomAD v3.1 (1/68,026 alleles) and is absent from gnomAD v2.1. This variant has been reported in at least two probands with dilated cardiomyopathy (PMID: 31251381, Royal Melbourne Hospital). Based on the classification scheme RMH Modified ACMG/AMP Guidelines v1.6.1, this variant is classified as PATHOGENIC. Following criteria are met: PVS1, PS4_Supporting, PM2_Supporting.

Literature cited by the submitters: PubMed 29062697 (cited by Victorian Clinical Genetics Services, Murdoch Childrens Research Institute); PubMed 36580316 (cited by Victorian Clinical Genetics Services, Murdoch Childrens Research Institute); PubMed 27532257 (cited by Victorian Clinical Genetics Services, Murdoch Childrens Research Institute); PubMed 26383259 (cited by Victorian Clinical Genetics Services, Murdoch Childrens Research Institute); PubMed 31251381 (cited by 3 submitters); PubMed 29915097 (cited by Victorian Clinical Genetics Services, Murdoch Childrens Research Institute); PubMed 31317183 (cited by Women's Health and Genetics/Laboratory Corporation of America, LabCorp and Labcorp Genetics (formerly Invitae), Labcorp); PubMed 20716751 (cited by Labcorp Genetics (formerly Invitae), Labcorp); PubMed 24503780 (cited by Labcorp Genetics (formerly Invitae), Labcorp); PubMed 25227139 (cited by Labcorp Genetics (formerly Invitae), Labcorp).